The following is an entry in ClinVar:

ClinVar aggregate classification (germline): Conflicting classifications of pathogenicity. Review status: criteria provided, conflicting classifications (1 of 4 stars). 2 submissions from 2 submitters: Uncertain significance (1); Benign (1). Last evaluated 2024-08-06.

Allele frequency attached by ClinVar (database versions not stated): gnomAD exomes below 0.00001; gnomAD 0.00001; ExAC 0.00003.
gnomAD v4.1: 4 of 1,611,886 alleles (0.00025%); highest among the groups gnomAD compares: East Asian, 0.0089%; no homozygotes.

Submissions (2):

GeneDx
Classification: Uncertain significance. Last evaluated: 2024-08-06. Review status: criteria provided, single submitter. Criteria: GeneDx Variant Classification Process June 2021. Collection method: clinical testing. Allele origin: germline. Affected: yes.
Comment: In silico analysis indicates that this missense variant does not alter protein structure/function; Has not been previously published as pathogenic or benign to our knowledge

Labcorp Genetics (formerly Invitae), Labcorp
Classification: Benign. Last evaluated: 2023-08-28. Review status: criteria provided, single submitter. Criteria: Invitae Variant Classification Sherloc (09022015). Collection method: clinical testing. Allele origin: germline.

NM_032119.4(ADGRV1):c.6776T>C (p.Ile2259Thr)

Gene: ADGRV1 (adhesion G protein-coupled receptor V1; plus strand). Cytogenetic location: 5q14.3.
Variant type: single nucleotide variant.
Coding change: c.6776T>C on transcript NM_032119.4 (MANE Select); coding-DNA position 6776, T replaced by C.
Protein change: p.Ile2259Thr; replaces isoleucine 2259 with threonine.
Molecular consequence: missense variant. On other transcripts: non-coding transcript variant (1).
Genome position (GRCh38, 1-based): chr5:90,690,866, T>C. VCF-style: chr5-90690866-T-C. GRCh37 (hg19) VCF-style: chr5-89986683-T-C.
Other names: c.6776T>C (NM_032119.3); short protein forms I2259T.
Identifiers: ClinVar variation 2787796 (VCV002787796.4), dbSNP rs769757245, ClinGen allele CA3339872.